The following is an entry in ClinVar:

ClinVar aggregate classification (germline): Uncertain significance (1 of 4 stars; one submission).

Conditions:
Chromosome 2q32-q33 deletion syndrome (GLASS). Also called: 2q33.1 deletion syndrome; Glass syndrome. Identifiers: Orphanet 251019, MedGen C2676739, MONDO:0012864, OMIM 612313.

Submission:

Labcorp Genetics (formerly Invitae), Labcorp
Classification: Uncertain significance for Chromosome 2q32-q33 deletion syndrome. Last evaluated: 2024-04-25. Review status: criteria provided, single submitter. Criteria: Invitae Variant Classification Sherloc (09022015). Collection method: clinical testing. Allele origin: germline.
Comment: This sequence change replaces proline, which is neutral and non-polar, with threonine, which is neutral and polar, at codon 47 of the SATB2 protein (p.Pro47Thr). This variant is not present in population databases (gnomAD no frequency). This variant has not been reported in the literature in individuals affected with SATB2-related conditions. Advanced modeling of protein sequence and biophysical properties (such as structural, functional, and spatial information, amino acid conservation, physicochemical variation, residue mobility, and thermodynamic stability) performed at Invitae indicates that this missense variant is not expected to disrupt SATB2 protein function with a negative predictive value of 80%. In summary, the available evidence is currently insufficient to determine the role of this variant in disease. Therefore, it has been classified as a Variant of Uncertain Significance.

NM_001172509.2(SATB2):c.139C>A (p.Pro47Thr)

Gene: SATB2 (SATB homeobox 2; minus strand). Cytogenetic location: 2q33.1.
Variant type: single nucleotide variant.
Coding change: c.139C>A on transcript NM_001172509.2 (MANE Select); coding-DNA position 139, C replaced by A.
Protein change: p.Pro47Thr; replaces proline 47 with threonine.
Molecular consequence: missense variant. On other transcripts: non-coding transcript variant (1).
Genome position (GRCh38, 1-based): chr2:199,455,899, G>T on the plus strand (C>A on the coding strand, the complement: SATB2 is on the minus strand). VCF-style: chr2-199455899-G-T. GRCh37 (hg19) VCF-style: chr2-200320622-G-T.
Other names: c.139C>A, p.Pro47Thr (NM_001172517.1, NM_015265.4); short protein forms P47T.
Identifiers: ClinVar variation 3651046 (VCV003651046.2).
Genomic context (GRCh38, chr2:199,455,899, plus strand): 5'-GCTGCGCGCCTCCCTGCTCCGGGCTGTTACCTCCCACGGCCTTGGCCACGGCGCCGTTGG[G>T]CCTCCCGCGGGCTCCCATGGGGCTGCCGTTCTGCTCCAGCCGGGCCACCTTCACTGGGGG-3'
Protein context (NP_001165980.1, residues 37-57): NGSPMGARGR[Pro47Thr]NGAVAKAVGG